The following is an entry in ClinVar:

NM_020806.5(GPHN):c.1237+6T>C

Gene: GPHN (gephyrin; plus strand). Cytogenetic location: 14q23.3.
Variant type: single nucleotide variant.
Coding change: c.1237+6T>C on transcript NM_020806.5 (MANE Select); 6 bases into the intron after coding-DNA position 1237, T replaced by C.
Molecular consequence: intron variant.
Genome position (GRCh38, 1-based): chr14:67,089,081, T>C. VCF-style: chr14-67089081-T-C. GRCh37 (hg19) VCF-style: chr14-67555798-T-C.
Other names: c.1297+6T>C (NM_001377514.1); c.1177+6T>C (NM_001377519.1); c.1267+6T>C (NM_001377515.1); c.1258+6T>C (NM_001377516.1); c.1195+6T>C (NM_001377518.1); c.1210+6T>C (NM_001377517.1); c.1138+6T>C (NM_001024218.2).
Identifiers: ClinVar variation 2856364 (VCV002856364.3), dbSNP rs2543060549, ClinGen allele CA2625312785.

ClinVar aggregate classification (germline): Uncertain significance (1 of 4 stars; one submission).

Conditions:
Sulfite oxidase deficiency due to molybdenum cofactor deficiency type C. Also called: Molybdenum cofactor deficiency, complementation group C; Molybdenum cofactor deficiency C. Identifiers: Orphanet 308400, Orphanet 833, MedGen C1854990, MONDO:0014212, OMIM 615501.

Submission:

Labcorp Genetics (formerly Invitae), Labcorp
Classification: Uncertain significance for Sulfite oxidase deficiency due to molybdenum cofactor deficiency type C. Last evaluated: 2023-06-30. Review status: criteria provided, single submitter. Criteria: Invitae Variant Classification Sherloc (09022015). Collection method: clinical testing. Allele origin: germline.
Comment: In summary, the available evidence is currently insufficient to determine the role of this variant in disease. Therefore, it has been classified as a Variant of Uncertain Significance. Variants that disrupt the consensus splice site are a relatively common cause of aberrant splicing (PMID: 17576681, 9536098). Algorithms developed to predict the effect of sequence changes on RNA splicing suggest that this variant is not likely to affect RNA splicing. This variant has not been reported in the literature in individuals affected with GPHN-related conditions. This variant is not present in population databases (gnomAD no frequency). This sequence change falls in intron 12 of the GPHN gene. It does not directly change the encoded amino acid sequence of the GPHN protein. It affects a nucleotide within the consensus splice site.

Literature cited by the submitters: PubMed 17576681; PubMed 9536098.